The following is an entry in ClinVar:

NM_002878.4(RAD51D):c.204C>T (p.Gly68=)

Genes: RAD51L3-RFFL (RAD51L3-RFFL readthrough; minus strand), RAD51D (RAD51 paralog D; minus strand). Cytogenetic location: 17q12.
Variant type: single nucleotide variant.
Coding change: c.204C>T on transcript NM_002878.4 (MANE Select); coding-DNA position 204, C replaced by T.
Protein change: p.Gly68=; no amino-acid change (glycine 68 retained).
Molecular consequence: synonymous variant. On other transcripts: intron variant (2).
Genome position (GRCh38, 1-based): chr17:35,118,560, G>A on the plus strand (C>T on the coding strand, the complement: RAD51D is on the minus strand). VCF-style: chr17-35118560-G-A. GRCh37 (hg19) VCF-style: chr17-33445579-G-A.
Other names: c.144+551C>T (NM_133629.3, NM_001142571.2).
Identifiers: ClinVar variation 187475 (VCV000187475.19), dbSNP rs764351040, ClinGen allele CA197740.

ClinVar aggregate classification (germline): Benign/Likely benign. Review status: criteria provided, multiple submitters, no conflicts (2 of 4 stars). 4 submissions from 4 submitters: Benign (1); Likely benign (3). Last evaluated 2025-08-17.

Conditions:
Breast-ovarian cancer, familial, susceptibility to, 4. Identifiers: Orphanet 145, MedGen C3280345, MONDO:0013669, OMIM 614291.
Hereditary cancer-predisposing syndrome. Also called: Neoplastic Syndromes, Hereditary; Tumor predisposition; Hereditary Cancer Syndrome; Hereditary neoplastic syndrome. Identifiers: Orphanet 140162, MedGen C0027672, MeSH D009386, MONDO:0015356.

Allele frequency attached by ClinVar (database versions not stated): TOPMed 0.00001.
gnomAD v4.1: 4 of 1,614,020 alleles (0.00025%); highest among the groups gnomAD compares: Admixed American, 0.0017%; no homozygotes.

Submissions (4):

Labcorp Genetics (formerly Invitae), Labcorp
Classification: Likely benign for Breast-ovarian cancer, familial, susceptibility to, 4. Last evaluated: 2025-08-17. Review status: criteria provided, single submitter. Criteria: Invitae Variant Classification Sherloc (09022015). Collection method: clinical testing. Allele origin: germline.

Myriad Genetics, Inc.
Classification: Benign for Breast-ovarian cancer, familial, susceptibility to, 4. Last evaluated: 2025-02-20. Review status: criteria provided, single submitter. Criteria: Myriad Autosomal Dominant, Autosomal Recessive and X-Linked Classification Criteria (2023). Collection method: clinical testing. Allele origin: unknown.
Comment: This variant is considered benign. This variant is a silent/synonymous amino acid change and it is not expected to impact splicing.

Color Diagnostics, LLC DBA Color Health
Classification: Likely benign for Hereditary cancer-predisposing syndrome. Last evaluated: 2019-03-04. Review status: criteria provided, single submitter. Criteria: ACMG Guidelines, 2015. Collection method: clinical testing. Allele origin: germline.

Ambry Genetics
Classification: Likely benign for Hereditary cancer-predisposing syndrome. Last evaluated: 2014-12-23. Review status: criteria provided, single submitter. Criteria: Ambry Variant Classification Scheme 2023. Collection method: clinical testing. Allele origin: germline.